The following is an entry in ClinVar:

NM_001366178.1(ARHGAP33):c.2484C>T (p.Pro828=)

Gene: ARHGAP33 (Rho GTPase activating protein 33; plus strand). Cytogenetic location: 19q13.12.
Variant type: single nucleotide variant.
Coding change: c.2484C>T on transcript NM_001366178.1 (MANE Select); coding-DNA position 2484, C replaced by T.
Protein change: p.Pro828=; no amino-acid change (proline 828 retained).
Molecular consequence: synonymous variant.
Genome position (GRCh38, 1-based): chr19:35,786,954, C>T. VCF-style: chr19-35786954-C-T. GRCh37 (hg19) VCF-style: chr19-36277856-C-T.
Other names: c.2076C>T, p.Pro692= (NM_001172630.2); c.2001C>T, p.Pro667= (NM_052948.4).
Identifiers: ClinVar variation 2649758 (VCV002649758.24), dbSNP rs752655433, ClinGen allele CA9388725.

ClinVar aggregate classification (germline): Likely benign (1 of 4 stars; one submission).

Allele frequency attached by ClinVar (database versions not stated): gnomAD 0.00001; gnomAD exomes 0.00001; TOPMed 0.00002; ExAC 0.00004.

Submission:

CeGaT Center for Human Genetics Tuebingen
Classification: Likely benign. Last evaluated: 2022-04-01. Review status: criteria provided, single submitter. Criteria: CeGaT Center For Human Genetics Tuebingen Variant Classification Criteria Version 2. Collection method: clinical testing. Allele origin: germline. Affected: yes. Observed: 1 variant allele.
Comment: ARHGAP33: BP4, BP7